The following is an entry in ClinVar:

ClinVar aggregate classification (germline): Pathogenic. Review status: criteria provided, multiple submitters, no conflicts (2 of 4 stars). 4 submissions from 4 submitters: Pathogenic (3). 1 of the submissions does not count toward it. Last evaluated 2025-07-09.

Conditions:
Atrophia bulborum hereditaria (ND). Also called: Norrie Disease; Norrie Disease (Classic Norrie Disease Ocular Phenotype with or without Extraocular Findings; EPISKOPI BLINDNESS; Pseudoglioma; Norrie syndrome; Norrie-Warburg syndrome. Identifiers: Orphanet 649, MedGen C0266526, MONDO:0010691, OMIM 310600, HP:6000262.

Submissions (4):

Labcorp Genetics (formerly Invitae), Labcorp
Classification: Pathogenic. Last evaluated: 2025-07-09. Review status: criteria provided, single submitter. Criteria: Invitae Variant Classification Sherloc (09022015). Collection method: clinical testing. Allele origin: germline.
Comment: This sequence change affects the initiator codon of the NDP mRNA. This change may impact translation initiation or efficiency. The next in-frame methionine is located at codon 12. This variant is not present in population databases (gnomAD no frequency). Disruption of the initiator codon has been observed in individuals with Norrie disease (PMID: 7627181, 7814011, 14635119, 26547627). ClinVar contains an entry for this variant (Variation ID: 10687). For these reasons, this variant has been classified as Pathogenic.

GeneDx
Classification: Pathogenic. Last evaluated: 2024-12-18. Review status: criteria provided, single submitter. Criteria: GeneDx Variant Classification Process June 2021. Collection method: clinical testing. Allele origin: germline. Affected: yes.
Comment: Initiation codon variant in a gene for which loss of function is a known mechanism of disease; Not observed at significant frequency in large population cohorts (gnomAD); This variant is associated with the following publications: (PMID: 8741107, 7814011, 14635119, 35651932)

Mendelics
Classification: Pathogenic for Atrophia bulborum hereditaria. Last evaluated: 2019-05-28. Review status: criteria provided, single submitter. Criteria: Mendelics Assertion Criteria 2017. Collection method: clinical testing. Allele origin: unknown.

OMIM
Classification: Pathogenic for NORRIE DISEASE. Last evaluated: 1995-01-01. Review status: no assertion criteria provided. Collection method: literature only. Allele origin: germline. Not counted in ClinVar's aggregate classification.

Literature cited by the submitters: PubMed 7627181 (cited by Labcorp Genetics (formerly Invitae), Labcorp); PubMed 7814011 (cited by Labcorp Genetics (formerly Invitae), Labcorp and OMIM); PubMed 14635119 (cited by Labcorp Genetics (formerly Invitae), Labcorp); PubMed 26547627 (cited by Labcorp Genetics (formerly Invitae), Labcorp).

NM_000266.4(NDP):c.1A>G (p.Met1Val)

Genes: NDP (norrin cystine knot growth factor NDP; minus strand), NDP-AS1 (NDP antisense RNA 1; plus strand). Cytogenetic location: Xp11.3.
Variant type: single nucleotide variant.
Coding change: c.1A>G on transcript NM_000266.4 (MANE Select); coding-DNA position 1, A replaced by G.
Protein change: p.Met1Val; changes the start codon (methionine 1).
Molecular consequence: missense variant, initiator codon variant.
Genome position (GRCh38, 1-based): chrX:43,958,645, T>C on the plus strand (A>G on the coding strand, the complement: NDP is on the minus strand). VCF-style: chrX-43958645-T-C. GRCh37 (hg19) VCF-style: chrX-43817891-T-C.
Other names: c.1A>G (NM_000266.3); short protein forms M1V.
Identifiers: ClinVar variation 10687 (VCV000010687.11), dbSNP rs28933685, ClinGen allele CA255475.